The following is an entry in ClinVar:

ClinVar aggregate classification (germline): Uncertain significance (1 of 4 stars; one submission).

Conditions:
Hereditary cancer-predisposing syndrome. Also called: Hereditary Cancer Syndrome; Neoplastic Syndromes, Hereditary; Tumor predisposition; Hereditary neoplastic syndrome. Identifiers: Orphanet 140162, MedGen C0027672, MeSH D009386, MONDO:0015356.

Submission:

Ambry Genetics
Classification: Uncertain significance for Hereditary cancer-predisposing syndrome. Last evaluated: 2022-06-16. Review status: criteria provided, single submitter. Criteria: Ambry Variant Classification Scheme 2023. Collection method: clinical testing. Allele origin: germline.
Comment: The p.K161M variant (also known as c.482A>T), located in coding exon 3 of the MSH6 gene, results from an A to T substitution at nucleotide position 482. The lysine at codon 161 is replaced by methionine, an amino acid with similar properties. This amino acid position is conserved. In addition, the in silico prediction for this alteration is inconclusive. Since supporting evidence is limited at this time, the clinical significance of this alteration remains unclear.

NM_000179.3(MSH6):c.482A>T (p.Lys161Met)

Gene: MSH6 (mutS homolog 6; plus strand). Cytogenetic location: 2p16.3.
Variant type: single nucleotide variant.
Coding change: c.482A>T on transcript NM_000179.3 (MANE Select); coding-DNA position 482, A replaced by T.
Protein change: p.Lys161Met; replaces lysine 161 with methionine.
Molecular consequence: missense variant. On other transcripts: 5 prime UTR variant (1), intron variant (2).
Genome position (GRCh38, 1-based): chr2:47,795,918, A>T. VCF-style: chr2-47795918-A-T. GRCh37 (hg19) VCF-style: chr2-48023057-A-T.
Other names: c.-421A>T (NM_001281494.2); c.578A>T, p.Lys193Met (NM_001406795.1, NM_001406802.1); c.482A>T, p.Lys161Met (NM_001406796.1, NM_001406798.1, NM_001406800.1 and 5 more transcripts); c.185A>T, p.Lys62Met (NM_001406797.1, NM_001406801.1, NM_001406805.1 and 10 more transcripts); c.-44A>T (NM_001406799.1, NM_001406806.1, NM_001406807.1); c.404A>T, p.Lys135Met (NM_001406804.1); c.488A>T, p.Lys163Met (NM_001406813.1); c.-513A>T (NM_001406814.1); and 3 more; short protein forms K163M, K105M, K62M, K161M, K193M, K135M.
Identifiers: ClinVar variation 1743410 (VCV001743410.2), dbSNP rs2104229596, ClinGen allele CA346738609.